The following is an entry in ClinVar:

NM_153460.4(IL17RC):c.1459C>T (p.Leu487Phe)

Gene: IL17RC (interleukin 17 receptor C; plus strand). Cytogenetic location: 3p25.3.
Variant type: single nucleotide variant.
Coding change: c.1459C>T on transcript NM_153460.4 (MANE Select); coding-DNA position 1459, C replaced by T.
Protein change: p.Leu487Phe; replaces leucine 487 with phenylalanine.
Molecular consequence: missense variant. On other transcripts: non-coding transcript variant (1).
Genome position (GRCh38, 1-based): chr3:9,932,679, C>T. VCF-style: chr3-9932679-C-T. GRCh37 (hg19) VCF-style: chr3-9974363-C-T.
Other names: c.1459C>T, p.Leu487Phe (NM_001203263.2); c.1408C>T, p.Leu470Phe (NM_001203264.2); c.1363C>T, p.Leu455Phe (NM_001203265.2, NM_001410711.1); c.1420C>T, p.Leu474Phe (NM_001367278.1); c.1339C>T, p.Leu447Phe (NM_001367279.1); c.1414C>T, p.Leu472Phe (NM_001367280.1, NM_032732.6); c.1672C>T, p.Leu558Phe (NM_153461.4); short protein forms L470F, L472F, L474F, L558F, L487F, L447F, L455F.
Identifiers: ClinVar variation 2856235 (VCV002856235.3), dbSNP rs2470419914, ClinGen allele CA351703016.
Genomic context (GRCh38, chr3:9,932,679, plus strand): 5'-CGCTGGGCCCTCGTGTGGCTGGCCTGCCTACTCTTTGCCGCTGCGCTTTCCCTCATCCTC[C>T]TTCTCAAAAAGGATCACGCGAAAGGTGAGCGCTTCCCGGCTCCCCATTCCCCTGGGGGAG-3'
Protein context (NP_703190.2, residues 477-497): LFAAALSLIL[Leu487Phe]LKKDHAKGWL

ClinVar aggregate classification (germline): Uncertain significance (1 of 4 stars; one submission).

Conditions:
Candidiasis, familial, 9 (CANDF9). Identifiers: Orphanet 1334, MedGen C4225324, MONDO:0014642, OMIM 616445.

Submission:

Labcorp Genetics (formerly Invitae), Labcorp
Classification: Uncertain significance for Candidiasis, familial, 9. Last evaluated: 2023-09-12. Review status: criteria provided, single submitter. Criteria: Invitae Variant Classification Sherloc (09022015). Collection method: clinical testing. Allele origin: germline.
Comment: In summary, the available evidence is currently insufficient to determine the role of this variant in disease. Therefore, it has been classified as a Variant of Uncertain Significance. Algorithms developed to predict the effect of missense changes on protein structure and function output the following: SIFT: "Not Available"; PolyPhen-2: "Benign"; Align-GVGD: "Not Available". The phenylalanine amino acid residue is found in multiple mammalian species, which suggests that this missense change does not adversely affect protein function. This variant has not been reported in the literature in individuals affected with IL17RC-related conditions. This variant is not present in population databases (gnomAD no frequency). This sequence change replaces leucine, which is neutral and non-polar, with phenylalanine, which is neutral and non-polar, at codon 558 of the IL17RC protein (p.Leu558Phe).